The following is an entry in ClinVar:

ClinVar aggregate classification (germline): Uncertain significance (1 of 4 stars; one submission).

Conditions:
Hereditary breast ovarian cancer syndrome. Also called: Breast and ovarian cancer; BRCA1- and BRCA2-Associated Hereditary Breast and Ovarian Cancer; Hereditary breast and ovarian cancer; Hereditary breast and ovarian cancer syndrome (HBOC); Hereditary breast and/or ovarian cancer syndrome; Hereditary breast and ovarian cancer syndrome. Identifiers: Orphanet 145, MedGen C0677776, MeSH D061325, MONDO:0003582. Disease mechanism: loss of function.

Submission:

Labcorp Genetics (formerly Invitae), Labcorp
Classification: Uncertain significance for Hereditary breast ovarian cancer syndrome. Last evaluated: 2019-05-18. Review status: criteria provided, single submitter. Criteria: Invitae Variant Classification Sherloc (09022015). Collection method: clinical testing. Allele origin: germline.
Comment: Algorithms developed to predict the effect of missense changes on protein structure and function output the following: SIFT: "Tolerated"; PolyPhen-2: "Benign"; Align-GVGD: "Class C0". The serine amino acid residue is found in multiple mammalian species, suggesting that this missense change does not adversely affect protein function. These predictions have not been confirmed by published functional studies and their clinical significance is uncertain. In summary, the available evidence is currently insufficient to determine the role of this variant in disease. Therefore, it has been classified as a Variant of Uncertain Significance. This variant has not been reported in the literature in individuals with BRCA1-related conditions. This variant is not present in population databases (ExAC no frequency). This sequence change replaces threonine with serine at codon 1485 of the BRCA1 protein (p.Thr1485Ser). The threonine residue is moderately conserved and there is a small physicochemical difference between threonine and serine.

NM_007294.4(BRCA1):c.4454C>G (p.Thr1485Ser)

Gene: BRCA1 (BRCA1 DNA repair associated; minus strand). Cytogenetic location: 17q21.31.
Variant type: single nucleotide variant.
Coding change: c.4454C>G on transcript NM_007294.4 (MANE Select); coding-DNA position 4454, C replaced by G.
Protein change: p.Thr1485Ser; replaces threonine 1485 with serine.
Molecular consequence: missense variant. On other transcripts: non-coding transcript variant (1).
Genome position (GRCh38, 1-based): chr17:43,076,518, G>C on the plus strand (C>G on the coding strand, the complement: BRCA1 is on the minus strand). VCF-style: chr17-43076518-G-C. GRCh37 (hg19) VCF-style: chr17-41228535-G-C.
Other names: c.4244C>G, p.Thr1415Ser (NM_001407887.1, NM_001407889.1, NM_001407885.1 and 5 more transcripts); c.4241C>G, p.Thr1414Ser (NM_001407894.1, NM_001407897.1, NM_001407898.1 and 12 more transcripts); c.4238C>G, p.Thr1413Ser (NM_001407915.1, NM_001407916.1, NM_001407917.1 and 1 more transcripts); c.4331C>G, p.Thr1444Ser (NM_001407919.1, NM_001407937.1, NM_001407938.1 and 6 more transcripts); c.4190C>G, p.Thr1397Ser (NM_001407920.1, NM_001407921.1, NM_001407922.1 and 4 more transcripts); c.4187C>G, p.Thr1396Ser (NM_001407927.1, NM_001407928.1, NM_001407929.1 and 4 more transcripts); c.4184C>G, p.Thr1395Ser (NM_001407934.1, NM_001407935.1, NM_001407936.1); c.4328C>G, p.Thr1443Ser (NM_001407939.1, NM_001407940.1, NM_001407670.1 and 11 more transcripts); and 68 more; short protein forms T1438S, T381S, T1485S, T1506S, T1356S, T1374S, T1415S, T1437S.
Identifiers: ClinVar variation 856839 (VCV000856839.11), dbSNP rs80356870, ClinGen allele CA10592625.
Genomic context (GRCh38, chr17:43,076,518, plus strand): 5'-CCACAGCATCTTTACATTGATGTTTCTTACCTTTCCACTCCTGGTTCTTTATTTTTACTG[G>C]TAGAACTATCTGCAGACACCTCAAACTTGTCAGCAGAAAGGCCTTCTGGATTCTGGCTTA-3'
Protein context (NP_009225.1, residues 1475-1495): DKFEVSADSS[Thr1485Ser]SKNKEPGVER